The following is an entry in ClinVar:

ClinVar aggregate classification (germline): Pathogenic (1 of 4 stars; one submission).

Conditions:
Cockayne spectrum with or without cerebrooculofacioskeletal syndrome. Identifiers: MedGen CN315928, MONDO:0100506.

Submission:

Myriad Genetics, Inc.
Classification: Pathogenic for Cockayne spectrum with or without cerebrooculofacioskeletal syndrome. Last evaluated: 2023-09-27. Review status: criteria provided, single submitter. Criteria: Myriad Autosomal Dominant, Autosomal Recessive and X-Linked Classification Criteria (2023). Collection method: clinical testing. Allele origin: unknown.
Comment: NM_000124.2(ERCC6):c.3480dupC(S1161Qfs*12) is expected to be pathogenic in the context of ERCC6-related disorders. This variant is predicted to lead to an abnormal or absent protein product due to the creation of a premature termination codon in ERCC6, a gene where loss-of-function variants are known to be pathogenic. Please note: this variant was assessed in the context of healthy population screening.

NM_000124.4(ERCC6):c.3480dup (p.Ser1161fs)

Gene: ERCC6 (ERCC excision repair 6, chromatin remodeling factor; minus strand). Cytogenetic location: 10q11.23.
Variant type: Duplication.
Coding change: c.3480dup on transcript NM_000124.4 (MANE Select); coding-DNA position 3480, one base duplicated (C; older notation c.3480dupC).
Protein change: p.Ser1161fs; shifts the reading frame from serine 1161.
Molecular consequence: frameshift variant.
Genome position (GRCh38, 1-based): chr10:49,470,480, G duplicated on the plus strand (C on the coding strand, the reverse complement: ERCC6 is on the minus strand); the first of 3 consecutive G bases (chr10:49,470,480-49,470,482); duplicating any one gives the same sequence. VCF-style (leftmost placement, unchanged base first): chr10-49470479-T-TG. GRCh37 (hg19) VCF-style: chr10-50678525-T-TG.
Other names: c.3480dup, p.Ser1161fs (NM_001346440.2); short protein forms S1161fs.
Identifiers: ClinVar variation 5012302 (VCV005012302.1).